The following is an entry in ClinVar:

ClinVar aggregate classification (germline): Uncertain significance (1 of 4 stars; one submission).

Conditions:
Hereditary cancer-predisposing syndrome. Also called: Neoplastic Syndromes, Hereditary; Tumor predisposition; Hereditary neoplastic syndrome; Hereditary Cancer Syndrome. Identifiers: Orphanet 140162, MedGen C0027672, MeSH D009386, MONDO:0015356.

Submission:

Ambry Genetics
Classification: Uncertain significance for Hereditary cancer-predisposing syndrome. Last evaluated: 2026-07-30. Review status: criteria provided, single submitter. Criteria: Ambry Variant Classification Scheme 2023. Collection method: clinical testing. Allele origin: germline.
Comment: The p.F546L variant (also known as c.1636T>C), located in coding exon 13 of the POT1 gene, results from a T to C substitution at nucleotide position 1636. The phenylalanine at codon 546 is replaced by leucine, an amino acid with highly similar properties. This amino acid position is highly conserved in available vertebrate species. In addition, the in silico prediction for this alteration is inconclusive. Based on the available evidence, the clinical significance of this variant remains unclear.

NM_015450.3(POT1):c.1636T>C (p.Phe546Leu)

Gene: POT1 (protection of telomeres 1; minus strand). Cytogenetic location: 7q31.33.
Variant type: single nucleotide variant.
Coding change: c.1636T>C on transcript NM_015450.3 (MANE Select); coding-DNA position 1636, T replaced by C.
Protein change: p.Phe546Leu; replaces phenylalanine 546 with leucine.
Molecular consequence: missense variant. On other transcripts: non-coding transcript variant (3).
Genome position (GRCh38, 1-based): chr7:124,827,264, A>G on the plus strand (T>C on the coding strand, the complement: POT1 is on the minus strand). VCF-style: chr7-124827264-A-G. GRCh37 (hg19) VCF-style: chr7-124467318-A-G.
Other names: c.1243T>C, p.Phe415Leu (NM_001042594.2); short protein forms F415L, F546L.
Identifiers: ClinVar variation 5027180 (VCV005027180.1).